The following is an entry in ClinVar:

ClinVar aggregate classification (germline): Likely pathogenic (1 of 4 stars; one submission).

Submission:

Labcorp Genetics (formerly Invitae), Labcorp
Classification: Likely pathogenic. Last evaluated: 2025-03-17. Review status: criteria provided, single submitter. Criteria: Invitae Variant Classification Sherloc (09022015). Collection method: clinical testing. Allele origin: germline.
Comment: This sequence change affects a donor splice site in intron 7 of the LIFR gene. It is expected to disrupt RNA splicing. Variants that disrupt the donor or acceptor splice site typically lead to a loss of protein function (PMID: 16199547), and loss-of-function variants in LIFR are known to be pathogenic (PMID: 14740318). This variant is not present in population databases (gnomAD no frequency). This variant has not been reported in the literature in individuals affected with LIFR-related conditions. ClinVar contains an entry for this variant (Variation ID: 1513530). Algorithms developed to predict the effect of sequence changes on RNA splicing suggest that this variant may disrupt the consensus splice site. In summary, the currently available evidence indicates that the variant is pathogenic, but additional data are needed to prove that conclusively. Therefore, this variant has been classified as Likely Pathogenic.

Literature cited by the submitters: PubMed 16199547; PubMed 14740318.

NM_001127671.2(LIFR):c.991+1G>A

Gene: LIFR (LIF receptor subunit alpha; minus strand). Cytogenetic location: 5p13.1.
Variant type: single nucleotide variant.
Coding change: c.991+1G>A on transcript NM_001127671.2 (MANE Select); the canonical splice donor site of the intron after coding-DNA position 991, G replaced by A.
Molecular consequence: splice donor variant.
Genome position (GRCh38, 1-based): chr5:38,510,463, C>T on the plus strand (G>A on the coding strand, the complement: LIFR is on the minus strand). VCF-style: chr5-38510463-C-T. GRCh37 (hg19) VCF-style: chr5-38510565-C-T.
Other names: c.991+1G>A (NM_002310.6, NM_001364298.2, NM_001364297.2).
Identifiers: ClinVar variation 1513530 (VCV001513530.6), dbSNP rs2112491568, ClinGen allele CA359546431.